The following is an entry in ClinVar:

NM_000548.5(TSC2):c.4051_4052delinsTT (p.Glu1351Leu)

Gene: TSC2 (TSC complex subunit 2; plus strand). Cytogenetic location: 16p13.3.
Variant type: Indel.
Coding change: c.4051_4052delinsTT on transcript NM_000548.5 (MANE Select); coding-DNA positions 4051 to 4052, GA replaced by TT.
Protein change: p.Glu1351Leu; replaces glutamic acid 1351 with leucine.
Molecular consequence: missense variant.
Genome position (GRCh38, 1-based): chr16:2,084,273-2,084,274, GA replaced by TT. VCF-style: chr16-2084273-GA-TT. GRCh37 (hg19) VCF-style: chr16-2134274-GA-TT.
Other names: c.3850_3851delinsTT, p.Glu1284Leu (NM_001077183.3); c.3982_3983delinsTT, p.Glu1328Leu (NM_001114382.3); c.3742_3743delinsTT, p.Glu1248Leu (NM_001318827.2); c.3706_3707delinsTT, p.Glu1236Leu (NM_001318829.2); c.3319_3320delinsTT, p.Glu1107Leu (NM_001318831.2); c.3883_3884delinsTT, p.Glu1295Leu (NM_001318832.2); c.3853_3854delinsTT, p.Glu1285Leu (NM_001363528.2); c.3919_3920delinsTT, p.Glu1307Leu (NM_001370404.1); and 1 more; short protein forms E1107L, E1236L, E1248L, E1284L, E1285L, E1295L, E1307L, E1308L.
Identifiers: ClinVar variation 1061282 (VCV001061282.9), dbSNP rs2151521631, ClinGen allele CA2499223337.
Genomic context (GRCh38, chr16:2,084,273, plus strand): 5'-GATGGTCCTTTCTAGTCGTCCTCAGTCTCCAGCCAGGAGGAGAAGTCGCTCCACGCGGAG[GA>TT]GCTGGTTGGCAGGGGCATCCCCATCGAGCGAGTCGTCTCCTCGGAGGGTGGCCGGCCCTC-3'
Protein context (NP_000539.2, residues 1341-1361): SQEEKSLHAE[Glu1351Leu]LVGRGIPIER

ClinVar aggregate classification (germline): Uncertain significance. Review status: criteria provided, multiple submitters, no conflicts (2 of 4 stars). 2 submissions from 2 submitters: Uncertain significance (2). Last evaluated 2025-04-14.

Conditions:
Tuberous sclerosis 2 (TSC2). Identifiers: Orphanet 805, MedGen C1860707, MONDO:0013199, OMIM 613254.

Submissions (2):

Dasa
Classification: Uncertain significance for Tuberous sclerosis 2. Last evaluated: 2025-04-14. Review status: criteria provided, single submitter. Criteria: DASA Assertion Criteria. Collection method: clinical testing. Allele origin: germline.
Comment: NM_000548.5(TSC2):c.4051_4052delinsTT (p.Glu1351Leu) is an in-frame insertion/deletion-insertion predicted to alter the protein sequence without shifting the reading frame. This variant is absent from population databases. The currently available literature and clinical evidence are not sufficient to establish a definitive association between this variant and the reported condition. Therefore, this variant is classified as a variant of uncertain significance.

Labcorp Genetics (formerly Invitae), Labcorp
Classification: Uncertain significance for Tuberous sclerosis 2. Last evaluated: 2020-09-15. Review status: criteria provided, single submitter. Criteria: Invitae Variant Classification Sherloc (09022015). Collection method: clinical testing. Allele origin: germline.
Comment: Algorithms developed to predict the effect of missense changes on protein structure and function are either unavailable or do not agree on the potential impact of this missense change (SIFT: "Not Available"; PolyPhen-2: "Possibly Damaging"; Align-GVGD: "Not Available"). In summary, the available evidence is currently insufficient to determine the role of this variant in disease. Therefore, it has been classified as a Variant of Uncertain Significance. This variant has not been reported in the literature in individuals with TSC2-related conditions. The frequency data for this variant in the population databases is not available, as this variant may be reported as separate entries in the ExAC database. This sequence change replaces glutamic acid with leucine at codon 1351 of the TSC2 protein (p.Glu1351Leu). The glutamic acid residue is highly conserved and there is a moderate physicochemical difference between glutamic acid and leucine.